The following is an entry in ClinVar:

ClinVar aggregate classification (germline): Uncertain significance (1 of 4 stars; one submission).

Conditions:
Hereditary cancer-predisposing syndrome. Also called: Hereditary neoplastic syndrome; Neoplastic Syndromes, Hereditary; Tumor predisposition; Hereditary Cancer Syndrome. Identifiers: Orphanet 140162, MedGen C0027672, MeSH D009386, MONDO:0015356.

Submission:

Ambry Genetics
Classification: Uncertain significance for Hereditary cancer-predisposing syndrome. Last evaluated: 2025-06-23. Review status: criteria provided, single submitter. Criteria: Ambry Variant Classification Scheme 2023. Collection method: clinical testing. Allele origin: germline.
Comment: The p.S1212C variant (also known as c.3635C>G), located in coding exon 15 of the APC gene, results from a C to G substitution at nucleotide position 3635. The serine at codon 1212 is replaced by cysteine, an amino acid with dissimilar properties. This amino acid position is conserved. In addition, in silico predictors for this gene do not accurately predict pathogenicity. Based on the available evidence, the clinical significance of this variant remains unclear.

NM_000038.6(APC):c.3635C>G (p.Ser1212Cys)

Gene: APC (APC regulator of Wnt signaling pathway; plus strand). Cytogenetic location: 5q22.2.
Variant type: single nucleotide variant.
Coding change: c.3635C>G on transcript NM_000038.6 (MANE Select); coding-DNA position 3635, C replaced by G.
Protein change: p.Ser1212Cys; replaces serine 1212 with cysteine.
Molecular consequence: missense variant. On other transcripts: non-coding transcript variant (2).
Genome position (GRCh38, 1-based): chr5:112,839,229, C>G. VCF-style: chr5-112839229-C-G. GRCh37 (hg19) VCF-style: chr5-112174926-C-G.
Other names: c.3635C>G, p.Ser1212Cys (NM_001127510.3, NM_001354895.2, NM_001407450.1); c.3581C>G, p.Ser1194Cys (NM_001127511.3); c.3689C>G, p.Ser1230Cys (NM_001354896.2, NM_001407447.1, NM_001407448.1 and 1 more transcripts); c.3665C>G, p.Ser1222Cys (NM_001354897.2); c.3560C>G, p.Ser1187Cys (NM_001354898.2); c.3551C>G, p.Ser1184Cys (NM_001354899.2); c.3512C>G, p.Ser1171Cys (NM_001354900.2); c.3458C>G, p.Ser1153Cys (NM_001354901.2, NM_001407453.1); and 11 more; short protein forms S1052C, S1086C, S1129C, S1153C, S1171C, S1194C, S1202C, S1240C.
Identifiers: ClinVar variation 4120527 (VCV004120527.1).